The following is an entry in ClinVar:

ClinVar aggregate classification (germline): Uncertain significance. Review status: criteria provided, single submitter (1 of 4 stars). 2 submissions from 2 submitters: Uncertain significance (1). 1 of the submissions does not count toward it. Last evaluated 2022-03-27.

Conditions:
DOCK6-related disorder. Also called: DOCK6-related condition.

Allele frequency attached by ClinVar (database versions not stated): gnomAD exomes 0.00003; ESP Exome Variant Server 0.00008; ExAC 0.00012; 1000 Genomes Project 30x 0.00016; 1000 Genomes Project 0.00020; gnomAD 0.00036; TOPMed 0.00039.
gnomAD v4.1: 102 of 1,613,742 alleles (0.0063%); highest among the groups gnomAD compares: African/African-American, 0.12%; no homozygotes.

Submissions (2):

Labcorp Genetics (formerly Invitae), Labcorp
Classification: Uncertain significance. Last evaluated: 2022-03-27. Review status: criteria provided, single submitter. Criteria: Invitae Variant Classification Sherloc (09022015). Collection method: clinical testing. Allele origin: germline.
Comment: This sequence change falls in intron 33 of the DOCK6 gene. It does not directly change the encoded amino acid sequence of the DOCK6 protein. It affects a nucleotide within the consensus splice site. This variant is present in population databases (rs370375778, gnomAD 0.1%). This variant has not been reported in the literature in individuals affected with DOCK6-related conditions. Variants that disrupt the consensus splice site are a relatively common cause of aberrant splicing (PMID: 17576681, 9536098). Algorithms developed to predict the effect of sequence changes on RNA splicing suggest that this variant may disrupt the consensus splice site. In summary, the available evidence is currently insufficient to determine the role of this variant in disease. Therefore, it has been classified as a Variant of Uncertain Significance.

PreventionGenetics, part of Exact Sciences
Classification: Likely benign for DOCK6-related condition. Last evaluated: 2019-10-28. Review status: no assertion criteria provided. Collection method: clinical testing. Allele origin: germline. Not counted in ClinVar's aggregate classification.
Comment: This variant is classified as likely benign based on ACMG/AMP sequence variant interpretation guidelines (Richards et al. 2015 PMID: 25741868, with internal and published modifications).

Literature cited by the submitters: PubMed 17576681 (cited by Labcorp Genetics (formerly Invitae), Labcorp); PubMed 9536098 (cited by Labcorp Genetics (formerly Invitae), Labcorp).

NM_020812.4(DOCK6):c.4204-3C>T

Genes: DOCK6 (dedicator of cytokinesis 6; minus strand), DOCK6-AS1 (DOCK6 antisense RNA 1; plus strand). Cytogenetic location: 19p13.2.
Variant type: single nucleotide variant.
Coding change: c.4204-3C>T on transcript NM_020812.4 (MANE Select); 3 bases into the intron before coding-DNA position 4204, C replaced by T.
Molecular consequence: intron variant.
Genome position (GRCh38, 1-based): chr19:11,214,412, G>A on the plus strand (C>T on the coding strand, the complement: DOCK6 is on the minus strand). VCF-style: chr19-11214412-G-A. GRCh37 (hg19) VCF-style: chr19-11325088-G-A.
Other names: c.4309-3C>T (NM_001367830.1); c.4204-3C>T (NM_020812.3).
Identifiers: ClinVar variation 2054914 (VCV002054914.3), dbSNP rs370375778, ClinGen allele CA9206930.